The following is an entry in ClinVar:

NM_201253.3(CRB1):c.3668G>C (p.Cys1223Ser)

Gene: CRB1 (crumbs cell polarity complex component 1; plus strand). Cytogenetic location: 1q31.3.
Variant type: single nucleotide variant.
Coding change: c.3668G>C on transcript NM_201253.3 (MANE Select); coding-DNA position 3668, G replaced by C.
Protein change: p.Cys1223Ser; replaces cysteine 1223 with serine.
Molecular consequence: missense variant. On other transcripts: non-coding transcript variant (2), intron variant (1).
Genome position (GRCh38, 1-based): chr1:197,435,531, G>C. VCF-style: chr1-197435531-G-C. GRCh37 (hg19) VCF-style: chr1-197404661-G-C.
Other names: c.3332G>C, p.Cys1111Ser (NM_001193640.2); c.3596G>C, p.Cys1199Ser (NM_001257965.2); c.2129-69G>C (NM_001257966.2); short protein forms C1111S, C1199S, C1223S.
Identifiers: ClinVar variation 2202915 (VCV002202915.5), dbSNP rs2528204865, ClinGen allele CA344050345.

ClinVar aggregate classification (germline): Likely pathogenic. Review status: criteria provided, multiple submitters, no conflicts (2 of 4 stars). 2 submissions from 2 submitters: Likely pathogenic (2). Last evaluated 2025-04-22.

Conditions:
CRB1-related disorder. Also called: CRB1-related condition; CRB1-related disorders.
Retinitis pigmentosa 12 (RP12). Also called: RP WITH OR WITHOUT PPRPE; RP WITH OR WITHOUT PRESERVED PARAARTERIOLE RETINAL PIGMENT EPITHELIUM; RETINITIS PIGMENTOSA WITH OR WITHOUT PARAARTERIOLAR PRESERVATION OF RETINAL PIGMENT EPITHELIUM. Identifiers: Orphanet 791, MedGen C1838647, MONDO:0010818, OMIM 600105.
Leber congenital amaurosis 8 (LCA8). Identifiers: Orphanet 65, MedGen C3151202, MONDO:0013453, OMIM 613835.

Submissions (2):

Labcorp Genetics (formerly Invitae), Labcorp
Classification: Likely pathogenic for Leber congenital amaurosis 8; Retinitis pigmentosa 12. Last evaluated: 2025-04-22. Review status: criteria provided, single submitter. Criteria: Invitae Variant Classification Sherloc (09022015). Collection method: clinical testing. Allele origin: germline.
Comment: This sequence change replaces cysteine, which is neutral and slightly polar, with serine, which is neutral and polar, at codon 1223 of the CRB1 protein (p.Cys1223Ser). This variant is not present in population databases (gnomAD no frequency). This missense change has been observed in individual(s) with CRB1-related conditions (PMID: 22065545). In at least one individual the data is consistent with being in trans (on the opposite chromosome) from a pathogenic variant. ClinVar contains an entry for this variant (Variation ID: 2202915). Invitae Evidence Modeling of protein sequence and biophysical properties (such as structural, functional, and spatial information, amino acid conservation, physicochemical variation, residue mobility, and thermodynamic stability) indicates that this missense variant is expected to disrupt CRB1 protein function with a positive predictive value of 95%. In summary, the currently available evidence indicates that the variant is pathogenic, but additional data are needed to prove that conclusively. Therefore, this variant has been classified as Likely Pathogenic.

Blueprint Genetics
Classification: Likely pathogenic for CRB1-related disorders. Last evaluated: 2022-09-14. Review status: criteria provided, single submitter. Criteria: ACMG Guidelines, 2015. Collection method: clinical testing. Allele origin: germline. Affected: yes. Observed: 2 variant alleles.

Literature cited by the submitters: PubMed 22065545 (cited by Labcorp Genetics (formerly Invitae), Labcorp).